The following is an entry in ClinVar:

NM_031427.4(DNAL1):c.436G>A (p.Val146Met)

Gene: DNAL1 (dynein axonemal light chain 1; plus strand). Cytogenetic location: 14q24.3.
Variant type: single nucleotide variant.
Coding change: c.436G>A on transcript NM_031427.4 (MANE Select); coding-DNA position 436, G replaced by A.
Protein change: p.Val146Met; replaces valine 146 with methionine.
Molecular consequence: missense variant.
Genome position (GRCh38, 1-based): chr14:73,689,419, G>A. VCF-style: chr14-73689419-G-A. GRCh37 (hg19) VCF-style: chr14-74156122-G-A.
Other names: c.319G>A, p.Val107Met (NM_001201366.2); short protein forms V107M, V146M.
Identifiers: ClinVar variation 4243338 (VCV004243338.1).

ClinVar aggregate classification (germline): Uncertain significance (1 of 4 stars; one submission).

Conditions:
Inborn genetic diseases. Identifiers: MedGen C0950123, MeSH D030342.

Submission:

Ambry Genetics
Classification: Uncertain significance for Inborn genetic diseases. Last evaluated: 2025-06-30. Review status: criteria provided, single submitter. Criteria: Ambry Variant Classification Scheme 2023. Collection method: clinical testing. Allele origin: germline.
Comment: The p.V146M variant (also known as c.436G>A), located in coding exon 7 of the DNAL1 gene, results from a G to A substitution at nucleotide position 436. The valine at codon 146 is replaced by methionine, an amino acid with highly similar properties. This amino acid position is conserved. In addition, the in silico prediction for this alteration is inconclusive. Based on the available evidence, the clinical significance of this variant remains unclear.